The following is an entry in ClinVar:

ClinVar aggregate classification (germline): Uncertain significance (1 of 4 stars; one submission).

Conditions:
Noonan syndrome (NS). Also called: Noonan's syndrome. Identifiers: Orphanet 648, MedGen C0028326, MeSH D009634, MONDO:0018997. Disease mechanism: gain of function.

Submission:

Labcorp Genetics (formerly Invitae), Labcorp
Classification: Uncertain significance for Noonan syndrome. Last evaluated: 2024-11-24. Review status: criteria provided, single submitter. Criteria: Invitae Variant Classification Sherloc (09022015). Collection method: clinical testing. Allele origin: germline.
Comment: This sequence change replaces glutamic acid, which is acidic and polar, with aspartic acid, which is acidic and polar, at codon 118 of the RRAS protein (p.Glu118Asp). This variant is not present in population databases (gnomAD no frequency). This variant has not been reported in the literature in individuals affected with RRAS-related conditions. An algorithm developed to predict the effect of missense changes on protein structure and function (PolyPhen-2) suggests that this variant is likely to be disruptive. In summary, the available evidence is currently insufficient to determine the role of this variant in disease. Therefore, it has been classified as a Variant of Uncertain Significance.

NM_006270.5(RRAS):c.354G>T (p.Glu118Asp)

Gene: RRAS (RAS related; minus strand). Cytogenetic location: 19q13.33.
Variant type: single nucleotide variant.
Coding change: c.354G>T on transcript NM_006270.5 (MANE Select); coding-DNA position 354, G replaced by T.
Protein change: p.Glu118Asp; replaces glutamic acid 118 with aspartic acid.
Molecular consequence: missense variant.
Genome position (GRCh38, 1-based): chr19:49,636,718, C>A on the plus strand (G>T on the coding strand, the complement: RRAS is on the minus strand). VCF-style: chr19-49636718-C-A. GRCh37 (hg19) VCF-style: chr19-50139975-C-A.
Other names: short protein forms E118D.
Identifiers: ClinVar variation 3707684 (VCV003707684.2).